The following is an entry in ClinVar:

NM_002742.3(PRKD1):c.317A>G (p.His106Arg)

Gene: PRKD1 (protein kinase D1; minus strand). Cytogenetic location: 14q12.
Variant type: single nucleotide variant.
Coding change: c.317A>G on transcript NM_002742.3 (MANE Select); coding-DNA position 317, A replaced by G.
Protein change: p.His106Arg; replaces histidine 106 with arginine.
Molecular consequence: missense variant.
Genome position (GRCh38, 1-based): chr14:29,725,622, T>C on the plus strand (A>G on the coding strand, the complement: PRKD1 is on the minus strand). VCF-style: chr14-29725622-T-C. GRCh37 (hg19) VCF-style: chr14-30194828-T-C.
Other names: c.317A>G, p.His106Arg (NM_001330069.2); c.29A>G, p.His10Arg (NM_001348390.1); short protein forms H106R, H10R.
Identifiers: ClinVar variation 1032083 (VCV001032083.1), dbSNP rs1886101666, ClinGen allele CA389477910.

ClinVar aggregate classification (germline): Uncertain significance (1 of 4 stars; one submission).

Conditions:
Congenital heart defects and ectodermal dysplasia (CHDED). Identifiers: MedGen C4479250, MONDO:0044303, OMIM 617364.

Allele frequency attached by ClinVar (database versions not stated): gnomAD exomes below 0.00001.
gnomAD v4.1: 3 of 1,613,666 alleles (0.00019%); highest among the groups gnomAD compares: East Asian, 0.0045%; no homozygotes.

Submission:

Baylor Genetics
Classification: Uncertain significance for Congenital heart defects and ectodermal dysplasia. Last evaluated: 2018-10-11. Review status: criteria provided, single submitter. Criteria: ACMG Guidelines, 2015. Collection method: clinical testing. Allele origin: unknown. Affected: yes.
Comment: This variant was determined to be of uncertain significance according to ACMG Guidelines, 2015 [PMID:25741868].